The following is an entry in ClinVar:

ClinVar aggregate classification (germline): Uncertain significance. Review status: criteria provided, multiple submitters, no conflicts (2 of 4 stars). 2 submissions from 2 submitters: Uncertain significance (2). Last evaluated 2025-01-28.

Conditions:
Inborn genetic diseases. Identifiers: MedGen C0950123, MeSH D030342.
Myopathy, proximal, and ophthalmoplegia (CMYO6). Also called: CONGENITAL MYOPATHY 6 WITH OPHTHALMOPLEGIA; INCLUSION BODY MYOPATHY 3, AUTOSOMAL DOMINANT; MYOPATHY WITH CONGENITAL JOINT CONTRACTURES, OPHTHALMOPLEGIA, AND RIMMED VACUOLES. Identifiers: Orphanet 363677, Orphanet 79091, MedGen C1854106, MONDO:0011577, OMIM 605637.

Submissions (2):

Ambry Genetics
Classification: Uncertain significance for Inborn genetic diseases. Last evaluated: 2025-01-28. Review status: criteria provided, single submitter. Criteria: Ambry Variant Classification Scheme 2023. Collection method: clinical testing. Allele origin: germline.

Labcorp Genetics (formerly Invitae), Labcorp
Classification: Uncertain significance for Myopathy, proximal, and ophthalmoplegia. Last evaluated: 2023-07-20. Review status: criteria provided, single submitter. Criteria: Invitae Variant Classification Sherloc (09022015). Collection method: clinical testing. Allele origin: germline.
Comment: This variant is not present in population databases (gnomAD no frequency). In summary, the available evidence is currently insufficient to determine the role of this variant in disease. Therefore, it has been classified as a Variant of Uncertain Significance. Advanced modeling of protein sequence and biophysical properties (such as structural, functional, and spatial information, amino acid conservation, physicochemical variation, residue mobility, and thermodynamic stability) performed at Invitae indicates that this missense variant is not expected to disrupt MYH2 protein function. This variant has not been reported in the literature in individuals affected with MYH2-related conditions. This sequence change replaces alanine, which is neutral and non-polar, with serine, which is neutral and polar, at codon 874 of the MYH2 protein (p.Ala874Ser).

NM_017534.6(MYH2):c.2620G>T (p.Ala874Ser)

Genes: MYHAS (myosin heavy chain gene cluster antisense RNA; plus strand), MYH2 (myosin heavy chain 2; minus strand). Cytogenetic location: 17p13.1.
Variant type: single nucleotide variant.
Coding change: c.2620G>T on transcript NM_017534.6 (MANE Select); coding-DNA position 2620, G replaced by T.
Protein change: p.Ala874Ser; replaces alanine 874 with serine.
Molecular consequence: missense variant.
Genome position (GRCh38, 1-based): chr17:10,531,710, C>A on the plus strand (G>T on the coding strand, the complement: MYH2 is on the minus strand). VCF-style: chr17-10531710-C-A. GRCh37 (hg19) VCF-style: chr17-10435027-C-A.
Other names: c.2620G>T (NM_017534.5); c.2620G>T, p.Ala874Ser (NM_001100112.2); short protein forms A874S.
Identifiers: ClinVar variation 2846462 (VCV002846462.4), dbSNP rs1567731262, ClinGen allele CA398145203.